The following is an entry in ClinVar:

NM_017915.5(PARPBP):c.327T>C (p.Asp109=)

Gene: PARPBP (PARP1 binding protein; plus strand). Cytogenetic location: 12q23.2.
Variant type: single nucleotide variant.
Coding change: c.327T>C on transcript NM_017915.5 (MANE Select); coding-DNA position 327, T replaced by C.
Protein change: p.Asp109=; no amino-acid change (aspartic acid 109 retained).
Molecular consequence: synonymous variant. On other transcripts: intron variant (20).
Genome position (GRCh38, 1-based): chr12:102,148,403, T>C. VCF-style: chr12-102148403-T-C. GRCh37 (hg19) VCF-style: chr12-102542181-T-C.
Other names: c.327T>C, p.Asp109= (NM_001400873.1, NM_001400883.1, NM_001400884.1 and 25 more transcripts); c.84T>C, p.Asp28= (NM_001400876.1, NM_001400878.1, NM_001400887.1 and 20 more transcripts); c.154-5466T>C (NM_001382722.1, NM_001400874.1, NM_001400877.1 and 8 more transcripts); c.154-16035T>C (NM_001400857.1, NM_001400879.1, NM_001400875.1 and 2 more transcripts); c.154-17326T>C (NM_001400865.1, NM_001400881.1, NM_001400928.1 and 1 more transcripts).
Identifiers: ClinVar variation 2643244 (VCV002643244.24), dbSNP rs143799695, ClinGen allele CA6747909.

ClinVar aggregate classification (germline): Likely benign (1 of 4 stars; one submission).

Allele frequency attached by ClinVar (database versions not stated): 1000 Genomes Project 30x 0.00047; 1000 Genomes Project 0.00060; gnomAD 0.00128; ExAC 0.00131; ESP Exome Variant Server 0.00138; TOPMed 0.00139.
gnomAD v4.1: 2,547 of 1,574,174 alleles (0.16%); highest among the groups gnomAD compares: Non-Finnish European, 0.19%; 3 homozygotes.

Submission:

CeGaT Center for Human Genetics Tuebingen
Classification: Likely benign. Last evaluated: 2022-05-01. Review status: criteria provided, single submitter. Criteria: CeGaT Center For Human Genetics Tuebingen Variant Classification Criteria Version 2. Collection method: clinical testing. Allele origin: germline. Affected: yes. Observed: 2 variant alleles.
Comment: PARPBP: BP4, BP7